The following is an entry in ClinVar:

NM_001083962.2(TCF4):c.790-9T>C

Genes: TCF4 (transcription factor 4; minus strand), LOC126862757 (CDK7 strongly-dependent group 2 enhancer GRCh37_chr18:52936433-52937632; plus strand). Cytogenetic location: 18q21.2.
Variant type: single nucleotide variant.
Coding change: c.790-9T>C on transcript NM_001083962.2 (MANE Select); 9 bases into the intron before coding-DNA position 790, T replaced by C.
Molecular consequence: intron variant.
Genome position (GRCh38, 1-based): chr18:55,269,972, A>G on the plus strand (T>C on the coding strand, the complement: TCF4 is on the minus strand). VCF-style: chr18-55269972-A-G. GRCh37 (hg19) VCF-style: chr18-52937203-A-G.
Other names: c.1096-9T>C (NM_001243226.3); c.715-9T>C (NM_001369584.1, NM_001369576.1, NM_001369585.1 and 3 more transcripts); c.718-9T>C (NM_001369577.1, NM_001369582.1, NM_001243227.2 and 9 more transcripts); c.790-9T>C (NM_001369571.1, NM_001369567.1, NM_001369572.1 and 4 more transcripts); c.808-9T>C (NM_001243228.2); c.784-9T>C (NM_001243230.2); c.787-9T>C (NM_001369569.1, NM_001369573.1, NM_001369570.1); c.664-9T>C (NM_001243231.2, NM_001348211.2); and 4 more.
Identifiers: ClinVar variation 282017 (VCV000282017.25), dbSNP rs373434281, ClinGen allele CA8970387.
Genomic context (GRCh38, chr18:55,269,972, plus strand): 5'-ACATCGGAGGAAGACTGGAATTGATGTCTGCTGAGGAGTGTGATGGATAGCTCTATAGCA[A>G]GAAGCAGAAAAAGGTGGCCATATTTAATCATAAGGTATTTAGTGAGTTATTTTCAAATAC-3'

ClinVar aggregate classification (germline): Benign. Review status: reviewed by expert panel (3 of 4 stars). 9 submissions from 9 submitters: Benign (1). 8 of the submissions do not count toward it. Last evaluated 2024-08-30.

Conditions:
TCF4-related disorder. Also called: TCF4-related condition.
Pitt-Hopkins syndrome (PTHS). Also called: ENCEPHALOPATHY, SEVERE EPILEPTIC, WITH AUTONOMIC DYSFUNCTION; MENTAL RETARDATION, SYNDROMAL, WITH INTERMITTENT HYPERVENTILATION. Identifiers: Orphanet 2896, MedGen C1970431, MONDO:0012589, OMIM 610954.

Allele frequency attached by ClinVar (database versions not stated): ExAC 0.00023; ESP Exome Variant Server 0.00023; gnomAD exomes 0.00027 and 0.00054; gnomAD 0.00029 and 0.00036; TOPMed 0.00036.
gnomAD v4.1: 835 of 1,612,978 alleles (0.052%); highest among the groups gnomAD compares: Non-Finnish European, 0.065%; no homozygotes.

Submissions (9):

ClinGen Rett and Angelman-like Disorders Variant Curation Expert Panel
Classification: Benign for Pitt-Hopkins syndrome. Last evaluated: 2024-08-30. Review status: reviewed by expert panel. Criteria: ClinGen RettAS ACMG Specifications TCF4 V3.0.0. Collection method: curation. Allele origin: germline. Inheritance: Autosomal dominant inheritance.
Comment: The highest population minor allele frequency of the c.790-9T>C variant in TCF4 in gnomAD v4.1 is 0.006579 in the Amish population, which is higher than the ClinGen Rett and Angelman-like Disorders VCEP threshold (≥0.0003) for BA1, and therefore meets this criterion (BA1). The c.790-9T>C variant is observed in at least 2 unaffected individuals (internal database - GeneDx) (BS2). The c.790-9T>C variant is found in at least 3 patients with an alternate molecular basis of disease (internal database - GeneDx) (BP5_Strong). In summary, the c.790-9T>C variant in TCF4 is classified as benign based on the ACMG/AMP criteria (BA1, BS2, BP5_Strong).

Labcorp Genetics (formerly Invitae), Labcorp
Classification: Likely benign for Pitt-Hopkins syndrome. Last evaluated: 2026-01-21. Review status: criteria provided, single submitter. Criteria: Invitae Variant Classification Sherloc (09022015). Collection method: clinical testing. Allele origin: germline. Not counted in ClinVar's aggregate classification.

ARUP Laboratories, Molecular Genetics and Genomics, ARUP Laboratories
Classification: Benign. Last evaluated: 2025-04-18. Review status: criteria provided, single submitter. Criteria: ARUP Molecular Germline Variant Investigation Process 2024. Collection method: clinical testing. Allele origin: germline. Not counted in ClinVar's aggregate classification.

Blueprint Genetics
Classification: Likely benign. Last evaluated: 2024-11-27. Review status: criteria provided, single submitter. Criteria: ACMG Guidelines, 2015. Collection method: clinical testing. Allele origin: germline. Not counted in ClinVar's aggregate classification.

Illumina Laboratory Services, Illumina
Classification: Benign for Pitt-Hopkins syndrome. Last evaluated: 2018-01-13. Review status: criteria provided, single submitter. Criteria: ICSL Variant Classification Criteria 13 December 2019. Collection method: clinical testing. Allele origin: germline. Not counted in ClinVar's aggregate classification.
Comment: This variant was observed in the ICSL laboratory as part of a predisposition screen in an ostensibly healthy population. It had not been previously curated by ICSL or reported in the Human Gene Mutation Database (HGMD: prior to June 1st, 2018), and was therefore a candidate for classification through an automated scoring system. Utilizing variant allele frequency, disease prevalence and penetrance estimates, and inheritance mode, an automated score was calculated to assess if this variant is too frequent to cause the disease. Based on the score and internal cut-off values, a variant classified as benign is not then subjected to further curation. The score for this variant resulted in a classification of benign for this disease.

Athena Diagnostics
Classification: Benign. Last evaluated: 2017-08-14. Review status: criteria provided, single submitter. Criteria: Athena Diagnostics Criteria. Collection method: clinical testing. Allele origin: germline. Not counted in ClinVar's aggregate classification.

Eurofins Ntd Llc (ga)
Classification: Uncertain significance. Last evaluated: 2015-07-30. Review status: criteria provided, single submitter. Criteria: EGL Classification Definitions 2015. Collection method: clinical testing. Allele origin: germline. Observed: 1 variant allele, 1 heterozygote. Not counted in ClinVar's aggregate classification.

GeneDx
Classification: Benign. Last evaluated: 2015-03-30. Review status: criteria provided, single submitter. Criteria: GeneDx Variant Classification (06012015). Collection method: clinical testing. Allele origin: germline. Affected: yes. Not counted in ClinVar's aggregate classification.
Comment: This variant is considered likely benign or benign based on one or more of the following criteria: it is a conservative change, it occurs at a poorly conserved position in the protein, it is predicted to be benign by multiple in silico algorithms, and/or has population frequency not consistent with disease.

PreventionGenetics, part of Exact Sciences
Classification: Likely benign for TCF4-related condition. Last evaluated: 2021-08-03. Review status: no assertion criteria provided. Collection method: clinical testing. Allele origin: germline. Not counted in ClinVar's aggregate classification.
Comment: This variant is classified as likely benign based on ACMG/AMP sequence variant interpretation guidelines (Richards et al. 2015 PMID: 25741868, with internal and published modifications).